The following is an entry in ClinVar:

ClinVar aggregate classification (germline): Likely benign (1 of 4 stars; one submission).

Conditions:
Lynch syndrome 4 (LYNCH4). Also called: Colorectal cancer, hereditary nonpolyposis, type 4; Hereditary non-polyposis colorectal cancer, type 4. Identifiers: Orphanet 144, MedGen C1838333, MONDO:0013699, OMIM 614337. Disease mechanism: loss of function.

Submission:

Myriad Genetics, Inc.
Classification: Likely benign for Lynch syndrome 4. Last evaluated: 2025-01-24. Review status: criteria provided, single submitter. Criteria: Myriad Autosomal Dominant, Autosomal Recessive and X-Linked Classification Criteria (2023). Collection method: clinical testing. Allele origin: unknown.
Comment: This variant is considered likely benign. This variant is intronic and is not expected to impact mRNA splicing.

NM_000535.7(PMS2):c.251-4del

Gene: PMS2 (PMS1 homolog 2, mismatch repair system component; minus strand). Cytogenetic location: 7p22.1.
Variant type: Deletion.
Coding change: c.251-4del on transcript NM_000535.7 (MANE Select); 4 bases into the intron before coding-DNA position 251, one base deleted (T; older notation c.251-4delT).
Molecular consequence: intron variant. On other transcripts: frameshift variant (1).
Genome position (GRCh38, 1-based): chr7:6,003,796, A deleted on the plus strand (T on the coding strand, the reverse complement: PMS2 is on the minus strand); the first of 3 consecutive A bases (chr7:6,003,796-6,003,798); deleting any one gives the same sequence. VCF-style (leftmost placement, unchanged base first): chr7-6003795-GA-G. GRCh37 (hg19) VCF-style: chr7-6043426-GA-G.
Other names: c.271del, p.Ser91fs (NM_001406868.1); c.35+176del (NM_001322008.2, NM_001406902.1, NM_001406883.1 and 4 more transcripts); c.-132+176del (NM_001406881.1, NM_001406900.1); c.-102-4del (NM_001406895.1, NM_001406904.1, NM_001406889.1 and 6 more transcripts); c.-155-4del (NM_001406911.1, NM_001322010.2, NM_001322004.2 and 13 more transcripts); c.-234-4del (NM_001406879.1, NM_001322015.2, NM_001406878.1 and 3 more transcripts); c.-634-4del (NM_001322012.2, NM_001322011.2); c.-52-1160del (NM_001406896.1); and 5 more; short protein forms S91fs.
Identifiers: ClinVar variation 3903992 (VCV003903992.1).